The following is an entry in ClinVar:

ClinVar aggregate classification (germline): Uncertain significance (1 of 4 stars; one submission).

Allele frequency attached by ClinVar (database versions not stated): gnomAD exomes below 0.00001.

Submission:

Labcorp Genetics (formerly Invitae), Labcorp
Classification: Uncertain significance. Last evaluated: 2022-10-13. Review status: criteria provided, single submitter. Criteria: Invitae Variant Classification Sherloc (09022015). Collection method: clinical testing. Allele origin: germline.
Comment: This sequence change replaces tyrosine, which is neutral and polar, with histidine, which is basic and polar, at codon 779 of the CPLANE1 protein (p.Tyr779His). This variant is not present in population databases (gnomAD no frequency). This variant has not been reported in the literature in individuals affected with CPLANE1-related conditions. Advanced modeling of protein sequence and biophysical properties (such as structural, functional, and spatial information, amino acid conservation, physicochemical variation, residue mobility, and thermodynamic stability) performed at Invitae indicates that this missense variant is not expected to disrupt CPLANE1 protein function. In summary, the available evidence is currently insufficient to determine the role of this variant in disease. Therefore, it has been classified as a Variant of Uncertain Significance.

NM_001384732.1(CPLANE1):c.2335T>C (p.Tyr779His)

Gene: CPLANE1 (ciliogenesis and planar polarity effector complex subunit 1; minus strand). Cytogenetic location: 5p13.2.
Variant type: single nucleotide variant.
Coding change: c.2335T>C on transcript NM_001384732.1 (MANE Select); coding-DNA position 2335, T replaced by C.
Protein change: p.Tyr779His; replaces tyrosine 779 with histidine.
Molecular consequence: missense variant.
Genome position (GRCh38, 1-based): chr5:37,224,697, A>G on the plus strand (T>C on the coding strand, the complement: CPLANE1 is on the minus strand). VCF-style: chr5-37224697-A-G. GRCh37 (hg19) VCF-style: chr5-37224799-A-G.
Other names: c.2335T>C, p.Tyr779His (NM_023073.4); short protein forms Y779H.
Identifiers: ClinVar variation 2085934 (VCV002085934.4), dbSNP rs2548548735, ClinGen allele CA359493522.